The following is an entry in ClinVar:

ClinVar aggregate classification (germline): Conflicting classifications of pathogenicity. Review status: criteria provided, conflicting classifications (1 of 4 stars). 8 submissions from 8 submitters: Uncertain significance (2); Benign (3); Likely benign (2). 1 of the submissions does not count toward it. Last evaluated 2026-10-15.

Conditions:
EDA-related disorder. Also called: EDA-related disorders; EDA-related condition.
Hypohidrotic X-linked ectodermal dysplasia (XHED). Also called: ECTODERMAL DYSPLASIA, HYPOHIDROTIC, 1; CST SYNDROME; Anhidrotic ectodermal dysplasia X-linked; Christ Siemens Touraine syndrome; ECTODERMAL DYSPLASIA 1, HYPOHIDROTIC, X-LINKED; ECTODERMAL DYSPLASIA 1, HYPOHIDROTIC/HAIR/TOOTH TYPE, X-LINKED. Identifiers: Orphanet 181, Orphanet 238468, MedGen C0162359, MONDO:0010585, OMIM 305100.

Allele frequency attached by ClinVar (database versions not stated): gnomAD 0.00106 and 0.00150; ESP Exome Variant Server 0.00123; TOPMed 0.00127; gnomAD exomes 0.00226 and 0.00272; ExAC 0.00313; 1000 Genomes Project 30x 0.00604; 1000 Genomes Project 0.00742.
gnomAD v4.1: 2,689 of 1,210,273 alleles (0.22%); highest among the groups gnomAD compares: South Asian, 1.5%; 5 homozygotes.

Submissions (8):

GeneDx
Classification: Uncertain significance. Last evaluated: 2026-10-15. Review status: criteria provided, single submitter. Criteria: GeneDx Variant Classification Process June 2021. Collection method: clinical testing. Allele origin: germline.
Comment: Observed in the hemizygous state in individuals with ectodermal dysplasia referred for genetic testing at GeneDx and in the published literature, however some individuals also harbored a variant in another ectodermal dysplasia related gene (PMID: 24724966, 22566850, 22032522); In silico analysis suggests that this missense variant does not alter protein structure/function; Missense variants in this gene are a common cause of disease and they are underrepresented in the general population; This variant is associated with the following publications: (PMID: 27305980, 24724966, 22032522, 34426522, 32960281, 22566850, 40612668)

CeGaT Center for Human Genetics Tuebingen
Classification: Benign. Last evaluated: 2026-06-01. Review status: criteria provided, single submitter. Criteria: CeGaT Center For Human Genetics Tuebingen Variant Classification Criteria Version 2. Collection method: clinical testing. Allele origin: germline. Affected: yes. Observed: 13 variant alleles.
Comment: EDA: BS1, BS2

Labcorp Genetics (formerly Invitae), Labcorp
Classification: Benign for Hypohidrotic X-linked ectodermal dysplasia. Last evaluated: 2026-02-02. Review status: criteria provided, single submitter. Criteria: Invitae Variant Classification Sherloc (09022015). Collection method: clinical testing. Allele origin: germline.

PreventionGenetics, part of Exact Sciences
Classification: Likely benign for EDA-related condition. Last evaluated: 2025-03-04. Review status: criteria provided, single submitter. Criteria: ACMG Guidelines, 2015. Collection method: clinical testing. Allele origin: germline.
Comment: This variant is classified as likely benign based on ACMG/AMP sequence variant interpretation guidelines (Richards et al. 2015 PMID: 25741868, with internal and published modifications).

Blueprint Genetics
Classification: Likely benign. Last evaluated: 2024-11-27. Review status: criteria provided, single submitter. Criteria: ACMG Guidelines, 2015. Collection method: clinical testing. Allele origin: germline.

Genome-Nilou Lab
Classification: Benign for Hypohidrotic X-linked ectodermal dysplasia. Last evaluated: 2021-05-18. Review status: criteria provided, single submitter. Criteria: ACMG Guidelines, 2015. Collection method: clinical testing. Allele origin: germline. Affected: no.

Mendelics
Classification: Uncertain significance for Hypohidrotic X-linked ectodermal dysplasia. Last evaluated: 2019-05-28. Review status: criteria provided, single submitter. Criteria: Mendelics Assertion Criteria 2017. Collection method: clinical testing. Allele origin: unknown.

Natera, Inc.
Classification: Benign for Christ-Siemens-Touraine syndrome. Last evaluated: 2020-06-03. Review status: no assertion criteria provided. Collection method: clinical testing. Allele origin: germline. Not counted in ClinVar's aggregate classification.

NM_001399.5(EDA):c.458G>A (p.Arg153His)

Gene: EDA (ectodysplasin A; plus strand). Cytogenetic location: Xq13.1.
Variant type: single nucleotide variant.
Coding change: c.458G>A on transcript NM_001399.5 (MANE Select); coding-DNA position 458, G replaced by A.
Protein change: p.Arg153His; replaces arginine 153 with histidine.
Molecular consequence: missense variant.
Genome position (GRCh38, 1-based): chrX:69,957,088, G>A. VCF-style: chrX-69957088-G-A. GRCh37 (hg19) VCF-style: chrX-69176938-G-A.
Other names: c.458G>A, p.Arg153His (NM_001005609.2, NM_001005612.3); short protein forms R153H.
Identifiers: ClinVar variation 702172 (VCV000702172.47), dbSNP rs140642493, ClinGen allele CA10438924.
Genomic context (GRCh38, chrX:69,957,088, plus strand): 5'-TGGCCCTATTGAATTTCTTCTTCCCTGATGAAAAGCCATACTCTGAAGAAGAAAGTAGGC[G>A]TGTTCGCCGCAATAAAAGAAGCAAAAGCAATGAAGGAGCAGATGGTAAGTCTACTCAGTT-3'
Protein context (NP_001390.1, residues 143-163): EKPYSEEESR[Arg153His]VRRNKRSKSN